The following is an entry in ClinVar:

ClinVar aggregate classification (germline): Benign/Likely benign. Review status: criteria provided, multiple submitters, no conflicts (2 of 4 stars). 5 submissions from 5 submitters: Benign (1); Likely benign (3). 1 of the submissions does not count toward it. Last evaluated 2024-11-05.

Conditions:
ITGA2-related disorder. Also called: ITGA2-related condition.
Platelet-type bleeding disorder 9 (BDPLT9). Also called: GLYCOPROTEIN Ia DEFICIENCY; GP Ia DEFICIENCY; COLLAGEN PLATELET RECEPTOR DEFICIENCY. Identifiers: Orphanet 73271, Orphanet 98886, MedGen C3280114, MONDO:0013622, OMIM 614200.

Allele frequency attached by ClinVar (database versions not stated): 1000 Genomes Project 0.00020; 1000 Genomes Project 30x 0.00047; gnomAD 0.00222 and 0.00226; TOPMed 0.00227; ExAC 0.00232; gnomAD exomes 0.00244 and 0.00307; ESP Exome Variant Server 0.00284.
gnomAD v4.1: 4,790 of 1,613,362 alleles (0.3%); highest among the groups gnomAD compares: Non-Finnish European, 0.35%; 15 homozygotes.

Submissions (5):

Blueprint Genetics
Classification: Likely benign. Last evaluated: 2024-11-05. Review status: criteria provided, single submitter. Criteria: ACMG Guidelines, 2015. Collection method: clinical testing. Allele origin: germline.

Labcorp Genetics (formerly Invitae), Labcorp
Classification: Likely benign. Last evaluated: 2018-12-07. Review status: criteria provided, single submitter. Criteria: Invitae Variant Classification Sherloc (09022015). Collection method: clinical testing. Allele origin: germline.

Illumina Laboratory Services, Illumina
Classification: Benign for Platelet-type bleeding disorder 9. Last evaluated: 2018-01-13. Review status: criteria provided, single submitter. Criteria: ICSL Variant Classification Criteria 13 December 2019. Collection method: clinical testing. Allele origin: germline.
Comment: This variant was observed in the ICSL laboratory as part of a predisposition screen in an ostensibly healthy population. It had not been previously curated by ICSL or reported in the Human Gene Mutation Database (HGMD: prior to June 1st, 2018), and was therefore a candidate for classification through an automated scoring system. Utilizing variant allele frequency, disease prevalence and penetrance estimates, and inheritance mode, an automated score was calculated to assess if this variant is too frequent to cause the disease. Based on the score and internal cut-off values, a variant classified as benign is not then subjected to further curation. The score for this variant resulted in a classification of benign for this disease.

Breakthrough Genomics
Classification: Likely benign. Review status: criteria provided, single submitter. Criteria: ACMG Guidelines, 2015. Collection method: not provided. Allele origin: germline. Inheritance: Unknown mechanism. Affected: yes.

PreventionGenetics, part of Exact Sciences
Classification: Likely benign for ITGA2-related condition. Last evaluated: 2020-02-11. Review status: no assertion criteria provided. Collection method: clinical testing. Allele origin: germline. Not counted in ClinVar's aggregate classification.
Comment: This variant is classified as likely benign based on ACMG/AMP sequence variant interpretation guidelines (Richards et al. 2015 PMID: 25741868, with internal and published modifications).

NM_002203.4(ITGA2):c.227G>A (p.Arg76Gln)

Gene: ITGA2 (integrin subunit alpha 2; plus strand). Cytogenetic location: 5q11.2.
Variant type: single nucleotide variant.
Coding change: c.227G>A on transcript NM_002203.4 (MANE Select); coding-DNA position 227, G replaced by A.
Protein change: p.Arg76Gln; replaces arginine 76 with glutamine.
Molecular consequence: missense variant. On other transcripts: non-coding transcript variant (5).
Genome position (GRCh38, 1-based): chr5:53,042,153, G>A. VCF-style: chr5-53042153-G-A. GRCh37 (hg19) VCF-style: chr5-52337983-G-A.
Other names: short protein forms R76Q.
Identifiers: ClinVar variation 353733 (VCV000353733.12), dbSNP rs143262642, ClinGen allele CA3262535.